The following is an entry in ClinVar:

NM_000090.4(COL3A1):c.1909C>T (p.Pro637Ser)

Gene: COL3A1 (collagen type III alpha 1 chain; plus strand). Cytogenetic location: 2q32.2.
Variant type: single nucleotide variant.
Coding change: c.1909C>T on transcript NM_000090.4 (MANE Select); coding-DNA position 1909, C replaced by T.
Protein change: p.Pro637Ser; replaces proline 637 with serine.
Molecular consequence: missense variant.
Genome position (GRCh38, 1-based): chr2:188,997,739, C>T. VCF-style: chr2-188997739-C-T. GRCh37 (hg19) VCF-style: chr2-189862465-C-T.
Other names: short protein forms P637S.
Identifiers: ClinVar variation 4800323 (VCV004800323.1).

ClinVar aggregate classification (germline): Uncertain significance (1 of 4 stars; one submission).

Conditions:
Ehlers-Danlos syndrome, type 4 (EDSVASC). Also called: Ehlers-Danlos syndrome vascular type; Ehlers Danlos syndrome, ecchymotic type; Ehlers Danlos syndrome, arterial type; Ehlers Danlos syndrome, Sack-Barabas type; Ehlers-Danlos Syndrome Type IV. Identifiers: Orphanet 286, MedGen C0268338, MONDO:0017314, OMIM 130050.

Submission:

Labcorp Genetics (formerly Invitae), Labcorp
Classification: Uncertain significance for Ehlers-Danlos syndrome, type 4. Last evaluated: 2025-09-12. Review status: criteria provided, single submitter. Criteria: Invitae Variant Classification Sherloc (09022015). Collection method: clinical testing. Allele origin: germline.
Comment: This sequence change replaces proline, which is neutral and non-polar, with serine, which is neutral and polar, at codon 637 of the COL3A1 protein (p.Pro637Ser). This variant is not present in population databases (gnomAD no frequency). This variant has not been reported in the literature in individuals affected with COL3A1-related conditions. Invitae Evidence Modeling of protein sequence and biophysical properties (such as structural, functional, and spatial information, amino acid conservation, physicochemical variation, residue mobility, and thermodynamic stability) indicates that this missense variant is not expected to disrupt COL3A1 protein function with a negative predictive value of 95%. In summary, the available evidence is currently insufficient to determine the role of this variant in disease. Therefore, it has been classified as a Variant of Uncertain Significance.